The following is an entry in ClinVar:

ClinVar aggregate classification (germline): Uncertain significance. Review status: criteria provided, multiple submitters, no conflicts (2 of 4 stars). 2 submissions from 2 submitters: Uncertain significance (2). Last evaluated 2025-04-22.

Conditions:
Inborn genetic diseases. Identifiers: MedGen C0950123, MeSH D030342.

Allele frequency attached by ClinVar (database versions not stated): gnomAD 0.00002; gnomAD exomes 0.00003; ExAC 0.00004; TOPMed 0.00002.
gnomAD v4.1: 54 of 1,614,180 alleles (0.0033%); highest among the groups gnomAD compares: South Asian, 0.041%; no homozygotes.

Submissions (2):

Labcorp Genetics (formerly Invitae), Labcorp
Classification: Uncertain significance. Last evaluated: 2025-04-22. Review status: criteria provided, single submitter. Criteria: Invitae Variant Classification Sherloc (09022015). Collection method: clinical testing. Allele origin: germline.
Comment: This sequence change replaces asparagine, which is neutral and polar, with serine, which is neutral and polar, at codon 433 of the LEMD3 protein (p.Asn433Ser). This variant is present in population databases (rs745933801, gnomAD 0.04%), and has an allele count higher than expected for a pathogenic variant. This variant has not been reported in the literature in individuals affected with LEMD3-related conditions. ClinVar contains an entry for this variant (Variation ID: 2914821). Invitae Evidence Modeling of protein sequence and biophysical properties (such as structural, functional, and spatial information, amino acid conservation, physicochemical variation, residue mobility, and thermodynamic stability) indicates that this missense variant is not expected to disrupt LEMD3 protein function with a negative predictive value of 80%. In summary, the available evidence is currently insufficient to determine the role of this variant in disease. Therefore, it has been classified as a Variant of Uncertain Significance.

Ambry Genetics
Classification: Uncertain significance for Inborn genetic diseases. Last evaluated: 2024-05-21. Review status: criteria provided, single submitter. Criteria: Ambry Variant Classification Scheme 2023. Collection method: clinical testing. Allele origin: germline.

NM_014319.5(LEMD3):c.1298A>G (p.Asn433Ser)

Gene: LEMD3 (LEM domain containing 3; plus strand). Cytogenetic location: 12q14.3.
Variant type: single nucleotide variant.
Coding change: c.1298A>G on transcript NM_014319.5 (MANE Select); coding-DNA position 1298, A replaced by G.
Protein change: p.Asn433Ser; replaces asparagine 433 with serine.
Molecular consequence: missense variant.
Genome position (GRCh38, 1-based): chr12:65,170,894, A>G. VCF-style: chr12-65170894-A-G. GRCh37 (hg19) VCF-style: chr12-65564674-A-G.
Other names: c.1298A>G (NM_014319.4); c.1298A>G, p.Asn433Ser (NM_001167614.2); short protein forms N433S.
Identifiers: ClinVar variation 2914821 (VCV002914821.4), dbSNP rs745933801, ClinGen allele CA6670883.